The following is an entry in ClinVar:

NM_031407.7(HUWE1):c.12831+5G>C

Gene: HUWE1 (HECT, UBA and WWE domain containing E3 ubiquitin protein ligase 1; minus strand). Cytogenetic location: Xp11.22.
Variant type: single nucleotide variant.
Coding change: c.12831+5G>C on transcript NM_031407.7 (MANE Select); 5 bases into the intron after coding-DNA position 12831, G replaced by C.
Molecular consequence: intron variant.
Genome position (GRCh38, 1-based): chrX:53,534,511, C>G on the plus strand (G>C on the coding strand, the complement: HUWE1 is on the minus strand). VCF-style: chrX-53534511-C-G. GRCh37 (hg19) VCF-style: chrX-53561472-C-G.
Identifiers: ClinVar variation 3385096 (VCV003385096.1).
Genomic context (GRCh38, chrX:53,534,511, plus strand): 5'-TCACACAAACTAGCGTTGCCTAGGGTAAGAGGACCATATGAGGAGGGATGCCAGCAGCAG[C>G]TCACCTGAATAGAGTTGGACTGGTACTTGTGGTATTCAGTGTTGGATTTCAGATCATCGA-3'

ClinVar aggregate classification (germline): Uncertain significance (1 of 4 stars; one submission).

gnomAD v4.1: 2 of 1,202,839 alleles (0.00017%); highest among the groups gnomAD compares: Non-Finnish European, 0.00022%; no homozygotes.

Submission:

Women's Health and Genetics/Laboratory Corporation of America, LabCorp
Classification: Uncertain significance. Last evaluated: 2024-10-25. Review status: criteria provided, single submitter. Criteria: LabCorp Variant Classification Summary - May 2015. Collection method: clinical testing. Allele origin: germline.
Comment: Variant summary: HUWE1 c.12831+5G>C alters a non-conserved nucleotide located close to a canonical splice site and therefore could affect mRNA splicing, leading to a significantly altered protein sequence. Several computational tools predict a significant impact on normal splicing: One predict the variant abolishes a 5' splicing donor site. Three predict the variant weakens a 5' donor site. However, these predictions have yet to be confirmed by functional studies. The variant was absent in 176895 control chromosomes. The available data on variant occurrences in the general population are insufficient to allow any conclusion about variant significance. To our knowledge, no occurrence of c.12831+5G>C in individuals affected with Intellectual Disability, X-Linked Syndromic, Turner Type and no experimental evidence demonstrating its impact on protein function have been reported. No submitters have cited clinical-significance assessments for this variant to ClinVar. Based on the evidence outlined above, the variant was classified as uncertain significance.